The following is an entry in ClinVar:

NM_000400.4(ERCC2):c.1238-1G>C

Gene: ERCC2 (ERCC excision repair 2, TFIIH core complex helicase subunit; minus strand). Cytogenetic location: 19q13.32.
Variant type: single nucleotide variant.
Coding change: c.1238-1G>C on transcript NM_000400.4 (MANE Select); the canonical splice acceptor site of the intron before coding-DNA position 1238, G replaced by C.
Molecular consequence: splice acceptor variant.
Genome position (GRCh38, 1-based): chr19:45,357,700, C>G on the plus strand (G>C on the coding strand, the complement: ERCC2 is on the minus strand). VCF-style: chr19-45357700-C-G. GRCh37 (hg19) VCF-style: chr19-45860958-C-G.
Identifiers: ClinVar variation 2976183 (VCV002976183.4), dbSNP rs947507401, ClinGen allele CA308959436.
Genomic context (GRCh38, chr19:45,357,700, plus strand): 5'-GGATGGGGTTGGCAATGGTCGGGGTTCTGTCGTCAAAGGGCTCGATGATGATGGTGAAGC[C>G]TGCAGAGGGCAGGCAAGGAGGGGTGAGATTACCCCACTACAGCCACAGCTGCACCCACTC-3'

ClinVar aggregate classification (germline): Likely pathogenic. Review status: criteria provided, multiple submitters, no conflicts (2 of 4 stars). 2 submissions from 2 submitters: Likely pathogenic (2). Last evaluated 2024-02-14.

Conditions:
Cerebrooculofacioskeletal syndrome 2 (COFS2). Identifiers: MedGen C1853102, MONDO:0012553, OMIM 610756.

Allele frequency attached by ClinVar (database versions not stated): gnomAD exomes below 0.00001; TOPMed below 0.00001; gnomAD 0.00001.
gnomAD v4.1: 11 of 1,613,566 alleles (0.00068%); highest among the groups gnomAD compares: Non-Finnish European, 0.00059%; no homozygotes.

Submissions (2):

Baylor Genetics
Classification: Likely pathogenic for Cerebrooculofacioskeletal syndrome 2. Last evaluated: 2024-02-14. Review status: criteria provided, single submitter. Criteria: ACMG Guidelines, 2015. Collection method: clinical testing. Allele origin: unknown.

Labcorp Genetics (formerly Invitae), Labcorp
Classification: Likely pathogenic. Last evaluated: 2023-03-27. Review status: criteria provided, single submitter. Criteria: Invitae Variant Classification Sherloc (09022015). Collection method: clinical testing. Allele origin: germline.
Comment: In summary, the currently available evidence indicates that the variant is pathogenic, but additional data are needed to prove that conclusively. Therefore, this variant has been classified as Likely Pathogenic. Algorithms developed to predict the effect of sequence changes on RNA splicing suggest that this variant may disrupt the consensus splice site. This variant has not been reported in the literature in individuals affected with ERCC2-related conditions. This variant is present in population databases (no rsID available, gnomAD no frequency). This sequence change affects an acceptor splice site in intron 12 of the ERCC2 gene. It is expected to disrupt RNA splicing. Variants that disrupt the donor or acceptor splice site typically lead to a loss of protein function (PMID: 16199547), and loss-of-function variants in ERCC2 are known to be pathogenic (PMID: 9238033, 11335038, 19085937, 19934020).

Literature cited by the submitters: PubMed 16199547 (cited by Labcorp Genetics (formerly Invitae), Labcorp); PubMed 9238033 (cited by Labcorp Genetics (formerly Invitae), Labcorp); PubMed 11335038 (cited by Labcorp Genetics (formerly Invitae), Labcorp); PubMed 19085937 (cited by Labcorp Genetics (formerly Invitae), Labcorp); PubMed 19934020 (cited by Labcorp Genetics (formerly Invitae), Labcorp).